The following is an entry in ClinVar:

ClinVar aggregate classification (germline): Pathogenic (1 of 4 stars; one submission).

Conditions:
Immunodeficiency, common variable, 7. Identifiers: Orphanet 1572, Orphanet 696894, MedGen C3542922, MONDO:0013862, OMIM 614699.

Submission:

Labcorp Genetics (formerly Invitae), Labcorp
Classification: Pathogenic for Immunodeficiency, common variable, 7. Last evaluated: 2024-06-12. Review status: criteria provided, single submitter. Criteria: Invitae Variant Classification Sherloc (09022015). Collection method: clinical testing. Allele origin: germline.
Comment: This sequence change creates a premature translational stop signal (p.Ser329Argfs*28) in the CR2 gene. It is expected to result in an absent or disrupted protein product. Loss-of-function variants in CR2 are known to be pathogenic (PMID: 26325596, 28499783). This variant is present in population databases (rs772261913, gnomAD 0.003%). This variant has not been reported in the literature in individuals affected with CR2-related conditions. For these reasons, this variant has been classified as Pathogenic.

Literature cited by the submitters: PubMed 26325596; PubMed 28499783.

NM_001006658.3(CR2):c.987_990del (p.Ser329fs)

Genes: CR2 (complement C3d receptor 2; plus strand), LOC126805994 (BRD4-independent group 4 enhancer GRCh37_chr1:207642622-207643821; plus strand). Cytogenetic location: 1q32.2.
Variant type: Deletion.
Coding change: c.987_990del on transcript NM_001006658.3 (MANE Select); coding-DNA positions 987 to 990, 4 bases deleted (TCAG; older notation c.987_990delTCAG).
Protein change: p.Ser329fs; shifts the reading frame from serine 329.
Molecular consequence: frameshift variant.
Genome position (GRCh38, 1-based): chr1:207,469,864-207,469,867, TCAG deleted; deleting any 4 consecutive bases within chr1:207,469,862-207,469,867 gives the same sequence; the c. name uses the placement nearest the transcript's 3' end. VCF-style (leftmost placement, unchanged base first): chr1-207469861-TAGTC-T. GRCh37 (hg19) VCF-style: chr1-207643206-TAGTC-T.
Other names: c.987_990del, p.Ser329fs (NM_001877.5); short protein forms S329fs.
Identifiers: ClinVar variation 3684107 (VCV003684107.2).